The following is an entry in ClinVar:

ClinVar aggregate classification (germline): Pathogenic (1 of 4 stars; one submission).

Conditions:
Cockayne syndrome type 1. Also called: Cockayne syndrome type I; Cockayne syndrome classical; Cockayne syndrome classic form. Identifiers: Orphanet 191, Orphanet 90321, MedGen C0751039, MONDO:0019569, OMIM 216400.

Submission:

Myriad Genetics, Inc.
Classification: Pathogenic for Cockayne syndrome type 1. Last evaluated: 2025-01-14. Review status: criteria provided, single submitter. Criteria: Myriad Autosomal Dominant, Autosomal Recessive and X-Linked Classification Criteria (2023). Collection method: clinical testing. Allele origin: unknown.
Comment: NM_000082.3(ERCC8):c.96_97delAAinsT(L32Ffs*36) is expected to be pathogenic in the context of ERCC8-related disorders. This variant is predicted to lead to an abnormal or absent protein product due to the creation of a premature termination codon in ERCC8, a gene where loss-of-function variants are known to be pathogenic. Please note: this variant was assessed in the context of healthy population screening.

NM_000082.4(ERCC8):c.96_97delinsT (p.Leu32fs)

Gene: ERCC8 (ERCC excision repair 8, CSA ubiquitin ligase complex subunit; minus strand). Cytogenetic location: 5q12.1.
Variant type: Indel.
Coding change: c.96_97delinsT on transcript NM_000082.4 (MANE Select); coding-DNA positions 96 to 97, AA replaced by T.
Protein change: p.Leu32fs; shifts the reading frame from leucine 32.
Molecular consequence: frameshift variant. On other transcripts: 5 prime UTR variant (2).
Genome position (GRCh38, 1-based): chr5:60,928,940-60,928,941, TT replaced by A on the plus strand (AA replaced by T on the coding strand, the reverse complement: ERCC8 is on the minus strand). VCF-style: chr5-60928940-TT-A. GRCh37 (hg19) VCF-style: chr5-60224767-TT-A.
Other names: c.-297_-296delinsT (NM_001007233.3); c.96_97delinsT, p.Leu32fs (NM_001007234.3); c.-282_-281delinsT (NM_001290285.2); short protein forms L32fs.
Identifiers: ClinVar variation 5013963 (VCV005013963.1).